The following is an entry in ClinVar:

NM_207122.2(EXT2):c.779G>T (p.Gly260Val)

Gene: EXT2 (exostosin glycosyltransferase 2; plus strand). Cytogenetic location: 11p11.2.
Variant type: single nucleotide variant.
Coding change: c.779G>T on transcript NM_207122.2 (MANE Select); coding-DNA position 779, G replaced by T.
Protein change: p.Gly260Val; replaces glycine 260 with valine.
Molecular consequence: missense variant.
Genome position (GRCh38, 1-based): chr11:44,124,824, G>T. VCF-style: chr11-44124824-G-T. GRCh37 (hg19) VCF-style: chr11-44146374-G-T.
Other names: c.779G>T, p.Gly260Val (NM_001389630.1, NM_001178083.3, NM_001389628.1); c.878G>T, p.Gly293Val (NM_000401.3); short protein forms G293V, G260V.
Identifiers: ClinVar variation 1441952 (VCV001441952.6), dbSNP rs201895861, ClinGen allele CA221467803.

ClinVar aggregate classification (germline): Uncertain significance (1 of 4 stars; one submission).

Conditions:
Exostoses, multiple, type 2 (EXT2). Also called: Hereditary Multiple Osteochondromatosis, Type II; EXOSTOSES, MULTIPLE, TYPE II. Identifiers: Orphanet 321, MedGen C1851413, MONDO:0007586, OMIM 133701.

Allele frequency attached by ClinVar (database versions not stated): gnomAD exomes below 0.00001.
gnomAD v4.1: 2 of 1,614,030 alleles (0.00012%); highest among the groups gnomAD compares: Admixed American, 0.0033%; no homozygotes.

Submission:

Labcorp Genetics (formerly Invitae), Labcorp
Classification: Uncertain significance for Exostoses, multiple, type 2. Last evaluated: 2025-12-03. Review status: criteria provided, single submitter. Criteria: Invitae Variant Classification Sherloc (09022015). Collection method: clinical testing. Allele origin: germline.
Comment: This sequence change replaces glycine, which is neutral and non-polar, with valine, which is neutral and non-polar, at codon 260 of the EXT2 protein (p.Gly260Val). This variant is present in population databases (rs201895861, gnomAD 0.003%). This variant has not been reported in the literature in individuals affected with EXT2-related conditions. ClinVar contains an entry for this variant (Variation ID: 1441952). Invitae Evidence Modeling of protein sequence and biophysical properties (such as structural, functional, and spatial information, amino acid conservation, physicochemical variation, residue mobility, and thermodynamic stability) indicates that this missense variant is not expected to disrupt EXT2 protein function with a negative predictive value of 95%. In summary, the available evidence is currently insufficient to determine the role of this variant in disease. Therefore, it has been classified as a Variant of Uncertain Significance.